The following is an entry in ClinVar:

ClinVar aggregate classification (germline): Likely benign. Review status: criteria provided, multiple submitters, no conflicts (2 of 4 stars). 4 submissions from 4 submitters: Likely benign (4). Last evaluated 2026-02-02.

Allele frequency attached by ClinVar (database versions not stated): 1000 Genomes Project 0.00040; 1000 Genomes Project 30x 0.00047; ExAC 0.00086; gnomAD exomes 0.00088 and 0.00157; gnomAD 0.00090 and 0.00093; TOPMed 0.00103; ESP Exome Variant Server 0.00123.
gnomAD v4.1: 2,394 of 1,613,772 alleles (0.15%); highest among the groups gnomAD compares: Non-Finnish European, 0.19%; 2 homozygotes.

Submissions (4):

Labcorp Genetics (formerly Invitae), Labcorp
Classification: Likely benign. Last evaluated: 2026-02-02. Review status: criteria provided, single submitter. Criteria: Invitae Variant Classification Sherloc (09022015). Collection method: clinical testing. Allele origin: germline.

Blueprint Genetics
Classification: Likely benign. Last evaluated: 2024-11-05. Review status: criteria provided, single submitter. Criteria: ACMG Guidelines, 2015. Collection method: clinical testing. Allele origin: germline.

Mayo Clinic Laboratories, Mayo Clinic
Classification: Likely benign. Last evaluated: 2022-07-21. Review status: criteria provided, single submitter. Criteria: ACMG Guidelines, 2015. Collection method: clinical testing. Allele origin: germline. Observed: 2 variant alleles.
Comment: BP4, BP7

PreventionGenetics, part of Exact Sciences
Classification: Likely benign. Review status: criteria provided, single submitter. Criteria: ACMG Guidelines, 2015. Collection method: clinical testing. Allele origin: germline.

NM_004817.4(TJP2):c.1057-17A>G

Gene: TJP2 (tight junction protein 2; plus strand). Cytogenetic location: 9q21.11.
Variant type: single nucleotide variant.
Coding change: c.1057-17A>G on transcript NM_004817.4 (MANE Select); 17 bases into the intron before coding-DNA position 1057, A replaced by G.
Molecular consequence: intron variant.
Genome position (GRCh38, 1-based): chr9:69,226,005, A>G. VCF-style: chr9-69226005-A-G. GRCh37 (hg19) VCF-style: chr9-71840921-A-G.
Other names: p.?; c.988-17A>G (NM_001170414.2, NM_001369870.1, NM_001369871.1); c.1057-17A>G (NM_201629.3, NM_001369872.1, NM_001369873.1 and 1 more transcripts); c.1069-17A>G (NM_001170415.1, NM_001369875.1, NM_001369874.1); c.1150-17A>G (NM_001170416.2).
Identifiers: ClinVar variation 259549 (VCV000259549.11), dbSNP rs41277895, ClinGen allele CA5073196.